The following is an entry in ClinVar:

ClinVar aggregate classification (germline): Conflicting classifications of pathogenicity. Review status: criteria provided, conflicting classifications (1 of 4 stars). 2 submissions from 2 submitters: Pathogenic (1); Uncertain significance (1). Last evaluated 2025-01-29.

Conditions:
Achromatopsia. Also called: Rod monochromatism. Identifiers: Orphanet 49382, MedGen C0152200, MONDO:0018852, HP:0011516.

Allele frequency attached by ClinVar (database versions not stated): gnomAD exomes 0.00001; TOPMed 0.00001; ExAC 0.00002; gnomAD 0.00001.
gnomAD v4.1: 17 of 1,613,982 alleles (0.0011%); highest among the groups gnomAD compares: South Asian, 0.0033%; no homozygotes.

Submissions (2):

Women's Health and Genetics/Laboratory Corporation of America, LabCorp
Classification: Uncertain significance. Last evaluated: 2025-01-29. Review status: criteria provided, single submitter. Criteria: LabCorp Variant Classification Summary - May 2015. Collection method: clinical testing. Allele origin: germline.
Comment: Variant summary: CNGA3 c.1777G>A (p.Glu593Lys) results in a conservative amino acid change located in the Cyclic nucleotide-monophosphate binding domain (IPR000595) of the encoded protein sequence. Three of five in-silico tools predict a benign effect of the variant on protein function. The variant allele was found at a frequency of 1.2e-05 in 251178 control chromosomes. c.1777G>A has been reported in the simple heterozygous state in the literature in individuals affected with clinical features of Achromatopsia (example, Burkard_2018, Wissinger_2001), without strong evidence for causality. These report(s) do not provide unequivocal conclusions about association of the variant with Achromatopsia 2. At least one publication reports experimental evidence evaluating an impact on protein function. The most pronounced variant effect results in 30%-50% of normal activity in vitro (example, Muraki-Oda_2007). The following publications have been ascertained in the context of this evaluation (PMID: 30418171, 17693388, 11536077). ClinVar contains an entry for this variant (Variation ID: 503564). Based on the evidence outlined above, the variant was classified as VUS-possibly pathogenic.

Molecular Genetics Laboratory, Institute for Ophthalmic Research
Classification: Pathogenic for Achromatopsia. Last evaluated: 2018-03-20. Review status: criteria provided, single submitter. Criteria: ACMG Guidelines, 2015. Collection method: research. Allele origin: germline. Affected: yes.

Literature cited by the submitters: PubMed 17693388 (cited by Women's Health and Genetics/Laboratory Corporation of America, LabCorp); PubMed 11536077 (cited by Women's Health and Genetics/Laboratory Corporation of America, LabCorp); PubMed 30418171 (cited by Women's Health and Genetics/Laboratory Corporation of America, LabCorp).

NM_001298.3(CNGA3):c.1777G>A (p.Glu593Lys)

Gene: CNGA3 (cyclic nucleotide gated channel subunit alpha 3; plus strand). Cytogenetic location: 2q11.2.
Variant type: single nucleotide variant.
Coding change: c.1777G>A on transcript NM_001298.3 (MANE Select); coding-DNA position 1777, G replaced by A.
Protein change: p.Glu593Lys; replaces glutamic acid 593 with lysine.
Molecular consequence: missense variant.
Genome position (GRCh38, 1-based): chr2:98,396,947, G>A. VCF-style: chr2-98396947-G-A. GRCh37 (hg19) VCF-style: chr2-99013410-G-A.
Other names: c.1723G>A, p.Glu575Lys (NM_001079878.2); short protein forms E593K, E575K.
Identifiers: ClinVar variation 503564 (VCV000503564.3), dbSNP rs774676415, ClinGen allele CA1794089.
Genomic context (GRCh38, chr2:98,396,947, plus strand): 5'-TACTCAGACCTGTTCTGCCTCTCAAAGGACGATCTCATGGAGGCCCTCACCGAGTACCCC[G>A]AAGCCAAGAAGGCCCTGGAGGAGAAAGGACGGCAGATCCTGATGAAAGACAACCTGATCG-3'
Protein context (NP_001289.1, residues 583-603): DLMEALTEYP[Glu593Lys]AKKALEEKGR